The following is an entry in ClinVar:

ClinVar aggregate classification (germline): Likely benign. Review status: criteria provided, multiple submitters, no conflicts (2 of 4 stars). 3 submissions from 3 submitters: Likely benign (2). 1 of the submissions does not count toward it. Last evaluated 2026-01-26.

Conditions:
LAMB3-related disorder. Also called: LAMB3-related condition.

Allele frequency attached by ClinVar (database versions not stated): gnomAD exomes 0.00018 and 0.00040; ExAC 0.00056; 1000 Genomes Project 30x 0.00156; ESP Exome Variant Server 0.00177; gnomAD 0.00178 and 0.00191; 1000 Genomes Project 0.00180; TOPMed 0.00203.
gnomAD v4.1: 564 of 1,613,968 alleles (0.035%); highest among the groups gnomAD compares: African/African-American, 0.57%; no homozygotes.

Submissions (3):

Labcorp Genetics (formerly Invitae), Labcorp
Classification: Likely benign. Last evaluated: 2026-01-26. Review status: criteria provided, single submitter. Criteria: Invitae Variant Classification Sherloc (09022015). Collection method: clinical testing. Allele origin: germline.

Breakthrough Genomics
Classification: Likely benign. Review status: criteria provided, single submitter. Criteria: ACMG Guidelines, 2015. Collection method: not provided. Allele origin: germline. Inheritance: Autosomal recessive inheritance. Affected: yes.

PreventionGenetics, part of Exact Sciences
Classification: Likely benign for LAMB3-related condition. Last evaluated: 2024-07-25. Review status: no assertion criteria provided. Collection method: clinical testing. Allele origin: germline. Not counted in ClinVar's aggregate classification.
Comment: This variant is classified as likely benign based on ACMG/AMP sequence variant interpretation guidelines (Richards et al. 2015 PMID: 25741868, with internal and published modifications).

NM_000228.3(LAMB3):c.2147G>A (p.Arg716Gln)

Gene: LAMB3 (laminin subunit beta 3; minus strand). Cytogenetic location: 1q32.2.
Variant type: single nucleotide variant.
Coding change: c.2147G>A on transcript NM_000228.3 (MANE Select); coding-DNA position 2147, G replaced by A.
Protein change: p.Arg716Gln; replaces arginine 716 with glutamine.
Molecular consequence: missense variant.
Genome position (GRCh38, 1-based): chr1:209,623,716, C>T on the plus strand (G>A on the coding strand, the complement: LAMB3 is on the minus strand). VCF-style: chr1-209623716-C-T. GRCh37 (hg19) VCF-style: chr1-209797061-C-T.
Other names: c.2147G>A, p.Arg716Gln (NM_001017402.2, NM_001127641.1); short protein forms R716Q.
Identifiers: ClinVar variation 715857 (VCV000715857.14), dbSNP rs114174766, ClinGen allele CA1375345.